The following is an entry in ClinVar:

ClinVar aggregate classification (germline): Uncertain significance. Review status: criteria provided, multiple submitters, no conflicts (2 of 4 stars). 2 submissions from 2 submitters: Uncertain significance (2). Last evaluated 2025-02-13.

Conditions:
Inborn genetic diseases. Identifiers: MedGen C0950123, MeSH D030342.

Allele frequency attached by ClinVar (database versions not stated): gnomAD exomes below 0.00001; ExAC 0.00001; TOPMed 0.00002; gnomAD 0.00003.
gnomAD v4.1: 6 of 1,613,870 alleles (0.00037%); highest among the groups gnomAD compares: Admixed American, 0.0067%; no homozygotes.

Submissions (2):

Ambry Genetics
Classification: Uncertain significance for Inborn genetic diseases. Last evaluated: 2025-02-13. Review status: criteria provided, single submitter. Criteria: Ambry Variant Classification Scheme 2023. Collection method: clinical testing. Allele origin: germline.

Labcorp Genetics (formerly Invitae), Labcorp
Classification: Uncertain significance. Last evaluated: 2021-09-01. Review status: criteria provided, single submitter. Criteria: Invitae Variant Classification Sherloc (09022015). Collection method: clinical testing. Allele origin: germline.
Comment: This sequence change replaces valine with alanine at codon 938 of the CNGB1 protein (p.Val938Ala). The valine residue is moderately conserved and there is a small physicochemical difference between valine and alanine. This variant is present in population databases (rs771295293, ExAC 0.009%). This variant has not been reported in the literature in individuals affected with CNGB1-related conditions. Algorithms developed to predict the effect of missense changes on protein structure and function (SIFT, PolyPhen-2, Align-GVGD) all suggest that this variant is likely to be tolerated. In summary, the available evidence is currently insufficient to determine the role of this variant in disease. Therefore, it has been classified as a Variant of Uncertain Significance.

NM_001297.5(CNGB1):c.2813T>C (p.Val938Ala)

Gene: CNGB1 (cyclic nucleotide gated channel subunit beta 1; minus strand). Cytogenetic location: 16q21.
Variant type: single nucleotide variant.
Coding change: c.2813T>C on transcript NM_001297.5 (MANE Select); coding-DNA position 2813, T replaced by C.
Protein change: p.Val938Ala; replaces valine 938 with alanine.
Molecular consequence: missense variant.
Genome position (GRCh38, 1-based): chr16:57,901,607, A>G on the plus strand (T>C on the coding strand, the complement: CNGB1 is on the minus strand). VCF-style: chr16-57901607-A-G. GRCh37 (hg19) VCF-style: chr16-57935511-A-G.
Other names: c.2795T>C, p.Val932Ala (NM_001286130.2); c.2813T>C (NM_001297.4); short protein forms V932A, V938A.
Identifiers: ClinVar variation 1005919 (VCV001005919.7), dbSNP rs771295293, ClinGen allele CA8082808.